The following is an entry in ClinVar:

NM_001195.5(BFSP1):c.31C>G (p.Arg11Gly)

Gene: BFSP1 (beaded filament structural protein 1; minus strand). Cytogenetic location: 20p12.1.
Variant type: single nucleotide variant.
Coding change: c.31C>G on transcript NM_001195.5 (MANE Select); coding-DNA position 31, C replaced by G.
Protein change: p.Arg11Gly; replaces arginine 11 with glycine.
Molecular consequence: missense variant. On other transcripts: intron variant (4).
Genome position (GRCh38, 1-based): chr20:17,531,299, G>C on the plus strand (C>G on the coding strand, the complement: BFSP1 is on the minus strand). VCF-style: chr20-17531299-G-C. GRCh37 (hg19) VCF-style: chr20-17511944-G-C.
Other names: c.31C>G, p.Arg11Gly (NM_001424338.1); c.-40-6391C>G (NM_001278608.2, NM_001278606.2); c.45-6391C>G (NM_001278607.2); c.3-6391C>G (NM_001161705.2); short protein forms R11G.
Identifiers: ClinVar variation 4873949 (VCV004873949.2).

ClinVar aggregate classification (germline): Uncertain significance (1 of 4 stars; one submission).

Submission:

CeGaT Center for Human Genetics Tuebingen
Classification: Uncertain significance. Last evaluated: 2026-05-01. Review status: criteria provided, single submitter. Criteria: CeGaT Center For Human Genetics Tuebingen Variant Classification Criteria Version 2. Collection method: clinical testing. Allele origin: germline. Affected: yes. Observed: 1 variant allele.
Comment: BFSP1: PM2